The following is an entry in ClinVar:

NM_000443.4(ABCB4):c.3371G>A (p.Cys1124Tyr)

Gene: ABCB4 (ATP binding cassette subfamily B member 4; minus strand). Cytogenetic location: 7q21.12.
Variant type: single nucleotide variant.
Coding change: c.3371G>A on transcript NM_000443.4 (MANE Select); coding-DNA position 3371, G replaced by A.
Protein change: p.Cys1124Tyr; replaces cysteine 1124 with tyrosine.
Molecular consequence: missense variant.
Genome position (GRCh38, 1-based): chr7:87,406,403, C>T on the plus strand (G>A on the coding strand, the complement: ABCB4 is on the minus strand). VCF-style: chr7-87406403-C-T. GRCh37 (hg19) VCF-style: chr7-87035719-C-T.
Other names: c.3392G>A, p.Cys1131Tyr (NM_018849.3); c.3230G>A, p.Cys1077Tyr (NM_018850.3); short protein forms C1131Y, C1124Y, C1077Y.
Identifiers: ClinVar variation 289537 (VCV000289537.7), dbSNP rs886044199, ClinGen allele CA10606473.

ClinVar aggregate classification (germline): Uncertain significance. Review status: criteria provided, multiple submitters, no conflicts (2 of 4 stars). 3 submissions from 3 submitters: Uncertain significance (3). Last evaluated 2026-04-14.

Conditions:
Familial intrahepatic cholestasis. Identifiers: Orphanet 284385, MedGen CN296401, MONDO:0017290.

Allele frequency attached by ClinVar (database versions not stated): gnomAD exomes below 0.00001; TOPMed below 0.00001.
gnomAD v4.1: 2 of 1,614,076 alleles (0.00012%); highest among the groups gnomAD compares: Non-Finnish European, 0.000085%; no homozygotes.

Submissions (3):

Genomenon, Inc
Classification: Uncertain significance for Familial intrahepatic cholestasis. Last evaluated: 2026-04-14. Review status: criteria provided, single submitter. Criteria: Genomenon Sequence Variant Interpretation Standards - Updated. Collection method: curation. Allele origin: germline. Affected: yes.
Comment: ABCB4 p.Cys1124Tyr (c.3371G>A) is a missense variant that changes the amino acid at residue 1124 from Cysteine to Tyrosine. This variant has been observed in at least one proband with an ABCB4-related disorder (PMID:36964972). It is absent or not present at a significant frequency in gnomAD. In silico models predict that this variant is possibly or probably damaging. In conclusion, we classify ABCB4 p.Cys1124Tyr (c.3371G>A) as a variant of uncertain significance.

Women's Health and Genetics/Laboratory Corporation of America, LabCorp
Classification: Uncertain significance. Last evaluated: 2024-04-05. Review status: criteria provided, single submitter. Criteria: LabCorp Variant Classification Summary - May 2015. Collection method: clinical testing. Allele origin: germline.
Comment: Variant summary: ABCB4 c.3371G>A (p.Cys1124Tyr) results in a non-conservative amino acid change located in the ABC transporter-like, ATP-binding domain (IPR003439) of the encoded protein sequence. Three of five in-silico tools predict a damaging effect of the variant on protein function. The variant was absent in 251372 control chromosomes. The available data on variant occurrences in the general population are insufficient to allow any conclusion about variant significance. c.3371G>A has been reported in the literature in individuals affected with Intrahepatic Cholestasis (Gorukmez_2023). These report (s) do not provide unequivocal conclusions about association of the variant with Familial Intrahepatic Cholestasis. To our knowledge, no experimental evidence demonstrating an impact on protein function has been reported. The following publication have been ascertained in the context of this evaluation (PMID: 36964972). ClinVar contains an entry for this variant (Variation ID: 289537). Based on the evidence outlined above, the variant was classified as uncertain significance.

Eurofins Ntd Llc (ga)
Classification: Uncertain significance. Last evaluated: 2016-07-14. Review status: criteria provided, single submitter. Criteria: EGL Classification Definitions 2015. Collection method: clinical testing. Allele origin: germline. Observed: 1 variant allele, 1 heterozygote.

Literature cited by the submitters: PubMed 36964972 (cited by Genomenon, Inc and Women's Health and Genetics/Laboratory Corporation of America, LabCorp).